The following is an entry in ClinVar:

NM_001005388.3(NFASC):c.1831+11A>G

Gene: NFASC (neurofascin; plus strand). Cytogenetic location: 1q32.1.
Variant type: single nucleotide variant.
Coding change: c.1831+11A>G on transcript NM_001005388.3 (MANE Select); 11 bases into the intron after coding-DNA position 1831, A replaced by G.
Molecular consequence: intron variant. On other transcripts: synonymous variant (4), non-coding transcript variant (1).
Genome position (GRCh38, 1-based): chr1:204,976,806, A>G. VCF-style: chr1-204976806-A-G. GRCh37 (hg19) VCF-style: chr1-204945934-A-G.
Other names: c.1842A>G, p.Pro614= (NM_001005389.2); c.1824A>G, p.Pro608= (NM_001160333.2); c.1875A>G, p.Pro625= (NM_001378330.1, NM_001378331.1); c.1831+11A>G (NM_001378329.1); c.1864+11A>G (NM_001160332.2, NM_015090.4, NM_001365986.1 and 1 more transcripts).
Identifiers: ClinVar variation 3055326 (VCV003055326.2), dbSNP rs6657372, ClinGen allele CA1350076.
Genomic context (GRCh38, chr1:204,976,806, plus strand): 5'-CAGCACCGAGCTAGACCAAGACCTGGCCAAGGCCTACCTCACCGTGCTAGGTAACTGCCC[A>G]TGCTCACCCTGGCACTGACCAGCCCCACCCCCTCCCCAGCAGCCAGAGAAGCAGTGGCCC-3'

ClinVar aggregate classification (germline): Benign (0 of 4 stars; one submission).

Conditions:
NFASC-related disorder. Also called: NFASC-related condition.

Allele frequency attached by ClinVar (database versions not stated): 1000 Genomes Project 0.09205; ExAC 0.09502; 1000 Genomes Project 30x 0.09619; gnomAD exomes 0.09693; gnomAD 0.12277; TOPMed 0.12706; ESP Exome Variant Server 0.14793.
gnomAD v4.1: 160,110 of 1,611,780 alleles (9.9%); highest among the groups gnomAD compares: African/African-American, 22%; 9,015 homozygotes.

Submission:

PreventionGenetics, part of Exact Sciences
Classification: Benign for NFASC-related condition. Last evaluated: 2019-11-06. Review status: no assertion criteria provided. Collection method: clinical testing. Allele origin: germline.
Comment: This variant is classified as benign based on ACMG/AMP sequence variant interpretation guidelines (Richards et al. 2015 PMID: 25741868, with internal and published modifications).